The following is an entry in ClinVar:

NM_005228.5(EGFR):c.3530T>G (p.Phe1177Cys)

Gene: EGFR (epidermal growth factor receptor; plus strand). Cytogenetic location: 7p11.2.
Variant type: single nucleotide variant.
Coding change: c.3530T>G on transcript NM_005228.5 (MANE Select); coding-DNA position 3530, T replaced by G.
Protein change: p.Phe1177Cys; replaces phenylalanine 1177 with cysteine.
Molecular consequence: missense variant.
Genome position (GRCh38, 1-based): chr7:55,205,514, T>G. VCF-style: chr7-55205514-T-G. GRCh37 (hg19) VCF-style: chr7-55273207-T-G.
Other names: c.3395T>G, p.Phe1132Cys (NM_001346899.2); c.3371T>G, p.Phe1124Cys (NM_001346900.2); c.2729T>G, p.Phe910Cys (NM_001346941.2); short protein forms F1124C, F1132C, F1177C, F910C.
Identifiers: ClinVar variation 3725342 (VCV003725342.2).

ClinVar aggregate classification (germline): Uncertain significance (1 of 4 stars; one submission).

Conditions:
EGFR-related lung cancer (EGFR). Identifiers: MedGen CN130014.

Submission:

Labcorp Genetics (formerly Invitae), Labcorp
Classification: Uncertain significance for EGFR-related lung cancer. Last evaluated: 2024-11-16. Review status: criteria provided, single submitter. Criteria: Invitae Variant Classification Sherloc (09022015). Collection method: clinical testing. Allele origin: germline.
Comment: This sequence change replaces phenylalanine, which is neutral and non-polar, with cysteine, which is neutral and slightly polar, at codon 1177 of the EGFR protein (p.Phe1177Cys). This variant is not present in population databases (gnomAD no frequency). This variant has not been reported in the literature in individuals affected with EGFR-related conditions. An algorithm developed to predict the effect of missense changes on protein structure and function (PolyPhen-2) suggests that this variant is likely to be disruptive. In summary, the available evidence is currently insufficient to determine the role of this variant in disease. Therefore, it has been classified as a Variant of Uncertain Significance.